The following is an entry in ClinVar:

NM_006231.4(POLE):c.3064G>T (p.Ala1022Ser)

Gene: POLE (DNA polymerase epsilon, catalytic subunit; minus strand). Cytogenetic location: 12q24.33.
Variant type: single nucleotide variant.
Coding change: c.3064G>T on transcript NM_006231.4 (MANE Select); coding-DNA position 3064, G replaced by T.
Protein change: p.Ala1022Ser; replaces alanine 1022 with serine.
Molecular consequence: missense variant.
Genome position (GRCh38, 1-based): chr12:132,659,506, C>A on the plus strand (G>T on the coding strand, the complement: POLE is on the minus strand). VCF-style: chr12-132659506-C-A. GRCh37 (hg19) VCF-style: chr12-133236092-C-A.
Other names: short protein forms A1022S.
Identifiers: ClinVar variation 4862241 (VCV004862241.1).

ClinVar aggregate classification (germline): Uncertain significance (1 of 4 stars; one submission).

Conditions:
Hereditary cancer-predisposing syndrome. Also called: Neoplastic Syndromes, Hereditary; Tumor predisposition; Hereditary Cancer Syndrome; Hereditary neoplastic syndrome. Identifiers: Orphanet 140162, MedGen C0027672, MeSH D009386, MONDO:0015356.

Submission:

Ambry Genetics
Classification: Uncertain significance for Hereditary cancer-predisposing syndrome. Last evaluated: 2026-03-15. Review status: criteria provided, single submitter. Criteria: Ambry Variant Classification Scheme 2023. Collection method: clinical testing. Allele origin: germline.
Comment: The p.A1022S variant (also known as c.3064G>T), located in coding exon 26 of the POLE gene, results from a G to T substitution at nucleotide position 3064. The alanine at codon 1022 is replaced by serine, an amino acid with similar properties. This amino acid position is conserved. In addition, this alteration is predicted to be tolerated by in silico analysis. Based on the available evidence, the clinical significance of this variant remains unclear.